The following is an entry in ClinVar:

NM_002691.4(POLD1):c.2624G>T (p.Arg875Leu)

Gene: POLD1 (DNA polymerase delta 1, catalytic subunit; plus strand). Cytogenetic location: 19q13.33.
Variant type: single nucleotide variant.
Coding change: c.2624G>T on transcript NM_002691.4 (MANE Select); coding-DNA position 2624, G replaced by T.
Protein change: p.Arg875Leu; replaces arginine 875 with leucine.
Molecular consequence: missense variant. On other transcripts: non-coding transcript variant (1).
Genome position (GRCh38, 1-based): chr19:50,415,497, G>T. VCF-style: chr19-50415497-G-T. GRCh37 (hg19) VCF-style: chr19-50918754-G-T.
Other names: c.2624G>T, p.Arg875Leu (NM_001256849.1); c.2702G>T, p.Arg901Leu (NM_001308632.1); c.2624G>T (NM_002691.2); short protein forms R901L, R875L.
Identifiers: ClinVar variation 469280 (VCV000469280.11), dbSNP rs754832710, ClinGen allele CA406985470.
Genomic context (GRCh38, chr19:50,415,497, plus strand): 5'-GAGACCCTGAGGGCGCGGTGGCTCACGCACAGGACGTCATCTCGGACCTGCTGTGCAACC[G>T]CATCGATATCTCCCAGCTGGTCATCACCAAGGAGCTGACCCGCGCGGCCTCCGACTATGC-3'
Protein context (NP_002682.2, residues 865-885): QDVISDLLCN[Arg875Leu]IDISQLVITK

ClinVar aggregate classification (germline): Uncertain significance. Review status: criteria provided, multiple submitters, no conflicts (2 of 4 stars). 2 submissions from 2 submitters: Uncertain significance (2). Last evaluated 2025-10-03.

Conditions:
Hereditary cancer-predisposing syndrome. Also called: Neoplastic Syndromes, Hereditary; Hereditary neoplastic syndrome; Tumor predisposition; Hereditary Cancer Syndrome. Identifiers: Orphanet 140162, MedGen C0027672, MeSH D009386, MONDO:0015356.
POLD1-related polyposis and colorectal cancer syndrome (CRCS10). Also called: Colorectal cancer 10; COLORECTAL CANCER, SUSCEPTIBILITY TO, ON CHROMOSOME 19q; Colorectal cancer, susceptibility to, 10. Identifiers: Orphanet 220460, MedGen C2675481, MONDO:0012953, OMIM 612591.

Allele frequency attached by ClinVar (database versions not stated): gnomAD 0.00001; TOPMed below 0.00001.
gnomAD v4.1: 1 of 1,613,218 alleles (0.000062%); highest among the groups gnomAD compares: Non-Finnish European, 0.000085%; no homozygotes.

Submissions (2):

Ambry Genetics
Classification: Uncertain significance for Hereditary cancer-predisposing syndrome. Last evaluated: 2025-10-03. Review status: criteria provided, single submitter. Criteria: Ambry Variant Classification Scheme 2023. Collection method: clinical testing. Allele origin: germline.
Comment: The p.R875L variant (also known as c.2624G>T), located in coding exon 20 of the POLD1 gene, results from a G to T substitution at nucleotide position 2624. The arginine at codon 875 is replaced by leucine, an amino acid with dissimilar properties. This amino acid position is conserved. In addition, the in silico prediction for this alteration is inconclusive. Since supporting evidence is limited at this time, the clinical significance of this alteration remains unclear.

Labcorp Genetics (formerly Invitae), Labcorp
Classification: Uncertain significance for POLD1-related polyposis and colorectal cancer syndrome. Last evaluated: 2024-07-25. Review status: criteria provided, single submitter. Criteria: Invitae Variant Classification Sherloc (09022015). Collection method: clinical testing. Allele origin: germline.
Comment: This sequence change replaces arginine, which is basic and polar, with leucine, which is neutral and non-polar, at codon 875 of the POLD1 protein (p.Arg875Leu). This variant is not present in population databases (gnomAD no frequency). This variant has not been reported in the literature in individuals affected with POLD1-related conditions. ClinVar contains an entry for this variant (Variation ID: 469280). Advanced modeling of protein sequence and biophysical properties (such as structural, functional, and spatial information, amino acid conservation, physicochemical variation, residue mobility, and thermodynamic stability) has been performed at Invitae for this missense variant, however the output from this modeling did not meet the statistical confidence thresholds required to predict the impact of this variant on POLD1 protein function. In summary, the available evidence is currently insufficient to determine the role of this variant in disease. Therefore, it has been classified as a Variant of Uncertain Significance.